The following is an entry in ClinVar:

NM_000038.6(APC):c.7964_7965del (p.Glu2655fs)

Gene: APC (APC regulator of Wnt signaling pathway; plus strand). Cytogenetic location: 5q22.2.
Variant type: Microsatellite.
Coding change: c.7964_7965del on transcript NM_000038.6 (MANE Select); coding-DNA positions 7964 to 7965, 2 bases deleted (AG; older notation c.7964_7965delAG).
Protein change: p.Glu2655fs; shifts the reading frame from glutamic acid 2655.
Molecular consequence: frameshift variant.
Genome position (GRCh38, 1-based): chr5:112,843,558-112,843,559, AG deleted; deleting any 2 consecutive bases within chr5:112,843,556-112,843,559 gives the same sequence; the c. name uses the placement nearest the transcript's 3' end. VCF-style (leftmost placement, unchanged base first): chr5-112843555-CAG-C. GRCh37 (hg19) VCF-style: chr5-112179252-CAG-C.
Other names: NM_000038.6(APC):c.7964_7965del; p.Glu2655fs; c.7964_7965del, p.Glu2655fs (NM_001127510.3, NM_001354895.2); c.7910_7911del, p.Glu2637fs (NM_001127511.3); c.8018_8019del, p.Glu2673fs (NM_001354896.2); c.7994_7995del, p.Glu2665fs (NM_001354897.2); c.7889_7890del, p.Glu2630fs (NM_001354898.2); c.7880_7881del, p.Glu2627fs (NM_001354899.2); and 7 more; short protein forms E2529fs, E2630fs, E2655fs, E2665fs, E2673fs, E2372fs, E2627fs, E2554fs.
Identifiers: ClinVar variation 1361956 (VCV001361956.14), dbSNP rs2149997043, ClinGen allele CA2543984220.
Genomic context (GRCh38, chr5:112,843,555, plus strand): 5'-CTACAAATGGTGCTGAATCAAAGACTCTAATTTATCAAATGGCACCTGCTGTTTCTAAAA[CAG>C]AGGATGTTTGGGTGAGAATTGAGGACTGTCCCATTAACAATCCTAGATCTGGAAGATCTC-3'

ClinVar aggregate classification (germline): Uncertain significance. Review status: reviewed by expert panel (3 of 4 stars). 5 submissions from 5 submitters: Uncertain significance (1). 4 of the submissions do not count toward it. Last evaluated 2025-05-19.

Conditions:
Hereditary cancer-predisposing syndrome. Also called: Hereditary Cancer Syndrome; Neoplastic Syndromes, Hereditary; Hereditary neoplastic syndrome; Tumor predisposition. Identifiers: Orphanet 140162, MedGen C0027672, MeSH D009386, MONDO:0015356.
Familial adenomatous polyposis 1 (FAP1). Also called: FAMILIAL ADENOMATOUS POLYPOSIS 1, ATTENUATED; POLYPOSIS, ADENOMATOUS INTESTINAL. Identifiers: MedGen C2713442, MONDO:0021056, OMIM 175100. Disease mechanism: loss of function.

Submissions (5):

ClinGen InSiGHT Hereditary Colorectal Cancer/Polyposis Variant Curation Expert Panel
Classification: Uncertain significance for Familial adenomatous polyposis 1. Last evaluated: 2025-05-19. Review status: reviewed by expert panel. Criteria: ClinGen InSiGHT HCCP VCEP ACMG Specifications APC V1. Collection method: curation. Allele origin: germline. Inheritance: Autosomal dominant inheritance.
Comment: The NM_000038.6(APC):c.7964_7965del (p.Glu2655fs) variant in APC is a frameshift variant located downstream of codon 2645, therefore PVS1 is not applicable based on the ACMG/AMP criteria specified by the ClinGen InSiGHT Hereditary Colorectal Cancer/Polyposis VCEP (HCCP VCEP). This variant is absent from gnomAD v2.1.1 (PM2_Supporting). The variant has been reported in 4 additional probands without a colorectal cancer/polyposis associated phenotype worth 0.5 healthy individual points in total (BS2 not met, internal data Ambry and Labcorp Genetics (formerly Invitae)). In summary, this variant is a variant of uncertain significance (VUS) for autosomal-dominant inherited FAP based on the ACMG/AMP criteria applied, as specified by the HCCP VCEP: criteria PM2_Supporting applied (VCEP specifications v2.1.0; date of approval 11/24/2023).

Ambry Genetics
Classification: Likely pathogenic for Hereditary cancer-predisposing syndrome. Last evaluated: 2026-07-07. Review status: criteria provided, single submitter. Criteria: Ambry Variant Classification Scheme 2023. Collection method: clinical testing. Allele origin: germline. Not counted in ClinVar's aggregate classification.
Comment: The c.7964_7965delAG variant, located in coding exon 15 of the APC gene, results from a deletion of two nucleotides at nucleotide positions 7964 to 7965, causing a translational frameshift with a predicted alternate stop codon (p.E2655Gfs*7). This alteration occurs at the 3' terminus of theAPC gene and is not expected to trigger nonsense-mediated mRNA decay. However, premature stop codons are typically deleterious in nature and structural analysis suggests this deletion removes a known motif (Thr2841-Ser2842-Val2843) needed for protein binding involved in regulation of protein function (Slep KC et al, PLoS ONE 2012; 7(11):e50097; Zhang Z et al, PLoS ONE 2011; 6(8):e23507). This variant is considered to be rare based on population cohorts in the Genome Aggregation Database (gnomAD). Based on the majority of available evidence to date, this variant is likely to be pathogenic. However, alterations that result in premature termination in coding exon 15 may be associated with an attenuated phenotype and may have reduced penetrance compared to classic familial adenomatous polyposis syndrome. Clinical correlation is advised.

Labcorp Genetics (formerly Invitae), Labcorp
Classification: Uncertain significance for Familial adenomatous polyposis 1. Last evaluated: 2025-11-21. Review status: criteria provided, single submitter. Criteria: Invitae Variant Classification Sherloc (09022015). Collection method: clinical testing. Allele origin: germline. Not counted in ClinVar's aggregate classification.
Comment: This sequence change creates a premature translational stop signal (p.Glu2655Glyfs*7) in the APC gene. While this is not anticipated to result in nonsense mediated decay, it is expected to disrupt the last 189 amino acid(s) of the APC protein. This variant is not present in population databases (gnomAD no frequency). This variant has not been reported in the literature in individuals affected with APC-related conditions. Experimental studies and prediction algorithms are not available or were not evaluated, and the functional significance of this variant is currently unknown. In summary, the available evidence is currently insufficient to determine the role of this variant in disease. Therefore, it has been classified as a Variant of Uncertain Significance.

Color Diagnostics, LLC DBA Color Health
Classification: Uncertain significance for Hereditary cancer-predisposing syndrome. Last evaluated: 2023-06-13. Review status: criteria provided, single submitter. Criteria: ACMG Guidelines, 2015. Collection method: clinical testing. Allele origin: germline. Not counted in ClinVar's aggregate classification.
Comment: This variant deletes 2 nucleotides in exon 16 of the APC gene, creating a frameshift and premature translation stop signal in the last coding exon. This mutant transcript is predicted to escape nonsense-mediated decay and be expressed as a truncated protein that impacts the EB1 and HDLG binding domains (PMID: 11257105,17881494), but the effect of this on function is unknown. To our knowledge, this variant has not been reported in individuals affected with APC-related disorders in the literature. This variant has not been identified in the general population by the Genome Aggregation Database (gnomAD). Loss of APC function is a known mechanism of disease. The available evidence is insufficient to determine the role of this variant in disease conclusively. Therefore, this variant is classified as a Variant of Uncertain Significance.

Myriad Genetics, Inc.
Classification: Pathogenic for Familial adenomatous polyposis 1. Last evaluated: 2023-05-16. Review status: criteria provided, single submitter. Criteria: Myriad Autosomal Dominant, Autosomal Recessive and X-Linked Classification Criteria (2023). Collection method: clinical testing. Allele origin: unknown. Not counted in ClinVar's aggregate classification.
Comment: This variant is considered pathogenic. This variant creates a frameshift predicted to result in premature protein truncation.

Literature cited by the submitters: PubMed 11257105 (cited by Color Diagnostics, LLC DBA Color Health); PubMed 17881494 (cited by Color Diagnostics, LLC DBA Color Health).